The following is an entry in ClinVar:

ClinVar aggregate classification (germline): Uncertain significance (1 of 4 stars; one submission).

gnomAD v4.1: 2 of 1,614,018 alleles (0.00012%); highest among the groups gnomAD compares: Non-Finnish European, 0.000085%; no homozygotes.

Submission:

Labcorp Genetics (formerly Invitae), Labcorp
Classification: Uncertain significance. Last evaluated: 2025-08-02. Review status: criteria provided, single submitter. Criteria: Invitae Variant Classification Sherloc (09022015). Collection method: clinical testing. Allele origin: germline.
Comment: This sequence change replaces asparagine, which is neutral and polar, with aspartic acid, which is acidic and polar, at codon 598 of the MYO6 protein (p.Asn598Asp). This variant is not present in population databases (gnomAD no frequency). This variant has not been reported in the literature in individuals affected with MYO6-related conditions. Invitae Evidence Modeling of protein sequence and biophysical properties (such as structural, functional, and spatial information, amino acid conservation, physicochemical variation, residue mobility, and thermodynamic stability) indicates that this missense variant is not expected to disrupt MYO6 protein function with a negative predictive value of 80%. In summary, the available evidence is currently insufficient to determine the role of this variant in disease. Therefore, it has been classified as a Variant of Uncertain Significance.

NM_004999.4(MYO6):c.1792A>G (p.Asn598Asp)

Gene: MYO6 (myosin VI; plus strand). Cytogenetic location: 6q14.1.
Variant type: single nucleotide variant.
Coding change: c.1792A>G on transcript NM_004999.4 (MANE Select); coding-DNA position 1792, A replaced by G.
Protein change: p.Asn598Asp; replaces asparagine 598 with aspartic acid.
Molecular consequence: missense variant. On other transcripts: non-coding transcript variant (1).
Genome position (GRCh38, 1-based): chr6:75,866,953, A>G. VCF-style: chr6-75866953-A-G. GRCh37 (hg19) VCF-style: chr6-76576670-A-G.
Other names: c.1792A>G, p.Asn598Asp (NM_001300899.2, NM_001368136.1, NM_001368137.1 and 2 more transcripts); c.1777A>G, p.Asn593Asp (NM_001368138.1); short protein forms N593D, N598D.
Identifiers: ClinVar variation 4704462 (VCV004704462.1).